The following is an entry in ClinVar:

ClinVar aggregate classification (germline): Likely pathogenic (1 of 4 stars; one submission).

Conditions:
Walker-Warburg congenital muscular dystrophy. Also called: Muscular dystrophy-dystroglycanopathy, type A; Walker-Warburg syndrome. Identifiers: Orphanet 899, MedGen C0265221, MONDO:0000171.

Submission:

Labcorp Genetics (formerly Invitae), Labcorp
Classification: Likely pathogenic for Walker-Warburg congenital muscular dystrophy. Last evaluated: 2025-09-02. Review status: criteria provided, single submitter. Criteria: Invitae Variant Classification Sherloc (09022015). Collection method: clinical testing. Allele origin: germline.
Comment: This sequence change replaces valine, which is neutral and non-polar, with glutamic acid, which is acidic and polar, at codon 405 of the FKRP protein (p.Val405Glu). This variant is not present in population databases (gnomAD no frequency). This variant has not been reported in the literature in individuals affected with FKRP-related conditions. Invitae Evidence Modeling of protein sequence and biophysical properties (such as structural, functional, and spatial information, amino acid conservation, physicochemical variation, residue mobility, and thermodynamic stability) indicates that this missense variant is expected to disrupt FKRP protein function with a positive predictive value of 95%. This variant disrupts the p.Val405 amino acid residue in FKRP. Other variant(s) that disrupt this residue have been determined to be pathogenic (PMID: 14652796, 33146414). This suggests that this residue is clinically significant, and that variants that disrupt this residue are likely to be disease-causing. In summary, the currently available evidence indicates that the variant is pathogenic, but additional data are needed to prove that conclusively. Therefore, this variant has been classified as Likely Pathogenic.

Literature cited by the submitters: PubMed 14652796; PubMed 33146414.

NM_024301.5(FKRP):c.1214T>A (p.Val405Glu)

Gene: FKRP (fukutin related protein; plus strand). Cytogenetic location: 19q13.32.
Variant type: single nucleotide variant.
Coding change: c.1214T>A on transcript NM_024301.5 (MANE Select); coding-DNA position 1214, T replaced by A.
Protein change: p.Val405Glu; replaces valine 405 with glutamic acid.
Molecular consequence: missense variant.
Genome position (GRCh38, 1-based): chr19:46,756,664, T>A. VCF-style: chr19-46756664-T-A. GRCh37 (hg19) VCF-style: chr19-47259921-T-A.
Other names: c.1214T>A, p.Val405Glu (NM_001039885.3); short protein forms V405E.
Identifiers: ClinVar variation 4705973 (VCV004705973.1).
Genomic context (GRCh38, chr19:46,756,664, plus strand): 5'-CGGTGGTGGATGAGCGCGGCTTCGTATGGGAGAAGGCGGTCGAGGGCGACTTTTTCCGCG[T>A]GCAGTACAGCGAAAGCAACCACTTGCACGTGGACCTGTGGCCCTTCTACCCCCGCAATGG-3'
Protein context (NP_077277.1, residues 395-415): EKAVEGDFFR[Val405Glu]QYSESNHLHV